The following is an entry in ClinVar:

NM_152703.5(SAMD9L):c.4409A>G (p.Lys1470Arg)

Gene: SAMD9L (sterile alpha motif domain containing 9 like; minus strand). Cytogenetic location: 7q21.2.
Variant type: single nucleotide variant.
Coding change: c.4409A>G on transcript NM_152703.5 (MANE Select); coding-DNA position 4409, A replaced by G.
Protein change: p.Lys1470Arg; replaces lysine 1470 with arginine.
Molecular consequence: missense variant.
Genome position (GRCh38, 1-based): chr7:93,131,563, T>C on the plus strand (A>G on the coding strand, the complement: SAMD9L is on the minus strand). VCF-style: chr7-93131563-T-C. GRCh37 (hg19) VCF-style: chr7-92760876-T-C.
Other names: c.4409A>G, p.Lys1470Arg (NM_001303496.3, NM_001303497.3, NM_001303498.3 and 5 more transcripts); short protein forms K1470R.
Identifiers: ClinVar variation 4844829 (VCV004844829.1).

ClinVar aggregate classification (germline): Uncertain significance (1 of 4 stars; one submission).

Conditions:
Inborn genetic diseases. Identifiers: MedGen C0950123, MeSH D030342.

Submission:

Ambry Genetics
Classification: Uncertain significance for Inborn genetic diseases. Last evaluated: 2026-02-15. Review status: criteria provided, single submitter. Criteria: Ambry Variant Classification Scheme 2023. Collection method: clinical testing. Allele origin: germline.
Comment: The p.K1470R variant (also known as c.4409A>G), located in coding exon 1 of the SAMD9L gene, results from an A to G substitution at nucleotide position 4409. The lysine at codon 1470 is replaced by arginine, an amino acid with highly similar properties. This amino acid position is conserved. In addition, this alteration is predicted to be tolerated by in silico analysis. Based on the available evidence, the clinical significance of this variant remains unclear.